The following is an entry in ClinVar:

NM_017617.5(NOTCH1):c.4520G>A (p.Ser1507Asn)

Gene: NOTCH1 (notch receptor 1; minus strand). Cytogenetic location: 9q34.3.
Variant type: single nucleotide variant.
Coding change: c.4520G>A on transcript NM_017617.5 (MANE Select); coding-DNA position 4520, G replaced by A.
Protein change: p.Ser1507Asn; replaces serine 1507 with asparagine.
Molecular consequence: missense variant.
Genome position (GRCh38, 1-based): chr9:136,505,376, C>T on the plus strand (G>A on the coding strand, the complement: NOTCH1 is on the minus strand). VCF-style: chr9-136505376-C-T. GRCh37 (hg19) VCF-style: chr9-139399828-C-T.
Other names: c.4520G>A (NM_017617.3); short protein forms S1507N.
Identifiers: ClinVar variation 2148457 (VCV002148457.5), dbSNP rs1843064149, ClinGen allele CA375646945.
Genomic context (GRCh38, chr9:136,505,376, plus strand): 5'-TGGCCTTCCGCACGCTGGCAGTCAAAGCCGTCGAAGAGGCAGCCGGCTGAGTTGCACTGG[C>T]TGTCACAGTGGCCGTCACTGAAGTACTTCCAGCACTGCAGAGACTGCGTGCAGTTCTTCC-3'
Protein context (NP_060087.3, residues 1497-1517): WKYFSDGHCD[Ser1507Asn]QCNSAGCLFD

ClinVar aggregate classification (germline): Uncertain significance. Review status: criteria provided, multiple submitters, no conflicts (2 of 4 stars). 2 submissions from 2 submitters: Uncertain significance (2). Last evaluated 2024-02-05.

Conditions:
Familial thoracic aortic aneurysm and aortic dissection (TAAD). Also called: Thoracic aortic aneurysms and dissections. Identifiers: Orphanet 91387, MedGen C4707243, MONDO:0019625.
Adams-Oliver syndrome 5 (AOS5). Identifiers: Orphanet 974, MedGen C4014970, MONDO:0014459, OMIM 616028.

Allele frequency attached by ClinVar (database versions not stated): gnomAD exomes below 0.00001; TOPMed below 0.00001.
gnomAD v4.1: 5 of 1,610,524 alleles (0.00031%); highest among the groups gnomAD compares: East Asian, 0.0022%; no homozygotes.

Submissions (2):

Ambry Genetics
Classification: Uncertain significance for Familial thoracic aortic aneurysm and aortic dissection. Last evaluated: 2024-02-05. Review status: criteria provided, single submitter. Criteria: Ambry Variant Classification Scheme 2023. Collection method: clinical testing. Allele origin: germline.

Labcorp Genetics (formerly Invitae), Labcorp
Classification: Uncertain significance for Adams-Oliver syndrome 5. Last evaluated: 2023-07-10. Review status: criteria provided, single submitter. Criteria: Invitae Variant Classification Sherloc (09022015). Collection method: clinical testing. Allele origin: germline.
Comment: ClinVar contains an entry for this variant (Variation ID: 2148457). Advanced modeling of protein sequence and biophysical properties (such as structural, functional, and spatial information, amino acid conservation, physicochemical variation, residue mobility, and thermodynamic stability) performed at Invitae indicates that this missense variant is not expected to disrupt NOTCH1 protein function. In summary, the available evidence is currently insufficient to determine the role of this variant in disease. Therefore, it has been classified as a Variant of Uncertain Significance. This variant has not been reported in the literature in individuals affected with NOTCH1-related conditions. This sequence change replaces serine, which is neutral and polar, with asparagine, which is neutral and polar, at codon 1507 of the NOTCH1 protein (p.Ser1507Asn). This variant is not present in population databases (gnomAD no frequency).